The following is an entry in ClinVar:

ClinVar aggregate classification (germline): Uncertain significance (1 of 4 stars; one submission).

Submission:

Women's Health and Genetics/Laboratory Corporation of America, LabCorp
Classification: Uncertain significance. Last evaluated: 2023-10-10. Review status: criteria provided, single submitter. Criteria: LabCorp Variant Classification Summary - May 2015. Collection method: clinical testing. Allele origin: germline.
Comment: Variant summary: SCN8A c.5306T>G (p.Phe1769Cys) results in a non-conservative amino acid change located in the Ion transport domain (IPR005821) of the encoded protein sequence. Five of five in-silico tools predict a damaging effect of the variant on protein function. The variant was absent in 251002 control chromosomes (gnomAD). The available data on variant occurrences in the general population are insufficient to allow any conclusion about variant significance. To our knowledge, no occurrence of c.5306T>G in individuals affected with Early Infantile Epileptic Encephalopathy 13 and no experimental evidence demonstrating its impact on protein function have been reported. No submitters have cited clinical-significance assessments for this variant to ClinVar after 2014. Based on the evidence outlined above, the variant was classified as uncertain significance.

NM_001330260.2(SCN8A):c.5306T>G (p.Phe1769Cys)

Gene: SCN8A (sodium voltage-gated channel alpha subunit 8; plus strand). Cytogenetic location: 12q13.13.
Variant type: single nucleotide variant.
Coding change: c.5306T>G on transcript NM_001330260.2 (MANE Select); coding-DNA position 5306, T replaced by G.
Protein change: p.Phe1769Cys; replaces phenylalanine 1769 with cysteine.
Molecular consequence: missense variant.
Genome position (GRCh38, 1-based): chr12:51,806,792, T>G. VCF-style: chr12-51806792-T-G. GRCh37 (hg19) VCF-style: chr12-52200576-T-G.
Other names: c.5183T>G, p.Phe1728Cys (NM_001177984.3, NM_001369788.1); c.5306T>G, p.Phe1769Cys (NM_014191.4); short protein forms F1728C, F1769C.
Identifiers: ClinVar variation 2637661 (VCV002637661.1), dbSNP rs2540334698, ClinGen allele CA384885239.